The following is an entry in ClinVar:

NM_206996.4(SPAG17):c.3111C>T (p.Tyr1037=)

Gene: SPAG17 (sperm associated antigen 17; minus strand). Cytogenetic location: 1p12.
Variant type: single nucleotide variant.
Coding change: c.3111C>T on transcript NM_206996.4 (MANE Select); coding-DNA position 3111, C replaced by T.
Protein change: p.Tyr1037=; no amino-acid change (tyrosine 1037 retained).
Molecular consequence: synonymous variant.
Genome position (GRCh38, 1-based): chr1:118,040,785, G>A on the plus strand (C>T on the coding strand, the complement: SPAG17 is on the minus strand). VCF-style: chr1-118040785-G-A. GRCh37 (hg19) VCF-style: chr1-118583408-G-A.
Identifiers: ClinVar variation 3060379 (VCV003060379.2), dbSNP rs10923477, ClinGen allele CA1033778.

ClinVar aggregate classification (germline): Benign (0 of 4 stars; one submission).

Conditions:
SPAG17-related disorder. Also called: SPAG17-related condition.

Allele frequency attached by ClinVar (database versions not stated): 1000 Genomes Project 30x 0.28779; 1000 Genomes Project 0.28854; TOPMed 0.34964; gnomAD 0.36594; ESP Exome Variant Server 0.37037; ExAC 0.39880; gnomAD exomes 0.43834.
gnomAD v4.1: 688,211 of 1,598,588 alleles (43%); highest among the groups gnomAD compares: Non-Finnish European, 46%; 154,543 homozygotes.

Submission:

PreventionGenetics, part of Exact Sciences
Classification: Benign for SPAG17-related condition. Last evaluated: 2019-10-17. Review status: no assertion criteria provided. Collection method: clinical testing. Allele origin: germline.
Comment: This variant is classified as benign based on ACMG/AMP sequence variant interpretation guidelines (Richards et al. 2015 PMID: 25741868, with internal and published modifications).